The following is an entry in ClinVar:

ClinVar aggregate classification (germline): Uncertain significance (1 of 4 stars; one submission).

Conditions:
TAF1-related disorder. Also called: TAF1-related condition.

Submission:

PreventionGenetics, part of Exact Sciences
Classification: Uncertain significance for TAF1-related condition. Last evaluated: 2023-03-22. Review status: criteria provided, single submitter. Criteria: ACMG Guidelines, 2015. Collection method: clinical testing. Allele origin: germline.
Comment: The TAF1 c.1384A>G variant is predicted to result in the amino acid substitution p.Met462Val. To our knowledge, this variant has not been reported in the literature or in a large population database, indicating this variant is rare. At this time, the clinical significance of this variant is uncertain due to the absence of conclusive functional and genetic evidence.

NM_004606.5(TAF1):c.1324A>G (p.Met442Val)

Gene: TAF1 (TATA-box binding protein associated factor 1; plus strand). Cytogenetic location: Xq13.1.
Variant type: single nucleotide variant.
Coding change: c.1324A>G on transcript NM_004606.5 (MANE Select); coding-DNA position 1324, A replaced by G.
Protein change: p.Met442Val; replaces methionine 442 with valine.
Molecular consequence: missense variant. On other transcripts: non-coding transcript variant (9).
Genome position (GRCh38, 1-based): chrX:71,378,995, A>G. VCF-style: chrX-71378995-A-G. GRCh37 (hg19) VCF-style: chrX-70598845-A-G.
Other names: c.1324A>G, p.Met442Val (NM_001286074.2); c.1261A>G, p.Met421Val (NM_138923.4); short protein forms M421V, M442V.
Identifiers: ClinVar variation 2633562 (VCV002633562.1), dbSNP rs755801173, ClinGen allele CA413510988.